The following is an entry in ClinVar:

NM_078471.4(MYO18A):c.2372C>T (p.Pro791Leu)

Gene: MYO18A (myosin XVIIIA; minus strand). Cytogenetic location: 17q11.2.
Variant type: single nucleotide variant.
Coding change: c.2372C>T on transcript NM_078471.4 (MANE Select); coding-DNA position 2372, C replaced by T.
Protein change: p.Pro791Leu; replaces proline 791 with leucine.
Molecular consequence: missense variant.
Genome position (GRCh38, 1-based): chr17:29,115,046, G>A on the plus strand (C>T on the coding strand, the complement: MYO18A is on the minus strand). VCF-style: chr17-29115046-G-A. GRCh37 (hg19) VCF-style: chr17-27442064-G-A.
Other names: c.2429C>T, p.Pro810Leu (NM_001346765.2); c.2408C>T, p.Pro803Leu (NM_001346766.2); c.2372C>T, p.Pro791Leu (NM_001346767.2, NM_203318.2); c.998C>T, p.Pro333Leu (NM_001346768.2); short protein forms P333L, P791L, P803L, P810L.
Identifiers: ClinVar variation 4860645 (VCV004860645.1).
Genomic context (GRCh38, chr17:29,115,046, plus strand): 5'-CACAGCTCCTCAAAGGAGGCTCCGCGGGCTGACCCACCCTGCTCAGGGTTCTGGAAGCCC[G>A]GGGTGTCGACAATCATCATGGAGCAGAGTGAGTGCTGGCTGGACTTGAGAGCCCTGGATA-3'
Protein context (NP_510880.2, residues 781-801): SLCSMMIVDT[Pro791Leu]GFQNPEQGGS

ClinVar aggregate classification (germline): Uncertain significance (1 of 4 stars; one submission).

gnomAD v4.1: 2 of 1,613,796 alleles (0.00012%); highest among the groups gnomAD compares: Non-Finnish European, 0.000085%; no homozygotes.

Submission:

Ambry Genetics
Classification: Uncertain significance. Last evaluated: 2026-06-03. Review status: criteria provided, single submitter. Criteria: Ambry Variant Classification Scheme 2023. Collection method: clinical testing. Allele origin: germline.
Comment: The c.2372C>T (p.P791L) alteration is located in exon 14 (coding exon 13) of the MYO18A gene. This alteration results from a C to T substitution at nucleotide position 2372, causing the proline (P) at amino acid position 791 to be replaced by a leucine (L). Based on data from gnomAD, the T allele has an overall frequency of <0.001% (1/248562) total alleles studied. The highest observed frequency was <0.001% (/) of alleles. Based on insufficient or conflicting evidence, the clinical significance of this alteration remains unclear.